The following is an entry in ClinVar:

NM_004415.4(DSP):c.747C>A (p.Tyr249Ter)

Gene: DSP (desmoplakin; plus strand). Cytogenetic location: 6p24.3.
Variant type: single nucleotide variant.
Coding change: c.747C>A on transcript NM_004415.4 (MANE Select); coding-DNA position 747, C replaced by A.
Protein change: p.Tyr249Ter; replaces tyrosine 249 with a stop codon.
Molecular consequence: nonsense.
Genome position (GRCh38, 1-based): chr6:7,563,756, C>A. VCF-style: chr6-7563756-C-A. GRCh37 (hg19) VCF-style: chr6-7563989-C-A.
Other names: c.747C>A, p.Tyr249Ter (NM_001008844.3, NM_001319034.2, NM_001406591.1); short protein forms Y249*.
Identifiers: ClinVar variation 2631476 (VCV002631476.1), dbSNP rs772921319, ClinGen allele CA362673691.

ClinVar aggregate classification (germline): Pathogenic (1 of 4 stars; one submission).

Conditions:
DSP-related disorder. Also called: DSP-related condition; DSP-related disorders.

Submission:

PreventionGenetics, part of Exact Sciences
Classification: Pathogenic for DSP-related condition. Last evaluated: 2023-07-24. Review status: criteria provided, single submitter. Criteria: ACMG Guidelines, 2015. Collection method: clinical testing. Allele origin: germline.
Comment: The DSP c.747C>A variant is predicted to result in premature protein termination (p.Tyr249*). To our knowledge, this variant has not been reported in the literature or in a large population database, indicating this variant is rare. A different nucleotide substitution resulting in the same nonsense variant, c.747C>G (p.Tyr249*), was reported in a peripartum cardiomyopathy cohort (Table S2, Goli et al. 2021. PubMed ID: 33874732). Nonsense variants in DSP are expected to be pathogenic. This variant is interpreted as pathogenic.